The following is an entry in ClinVar:

NC_000023.10:g.(?_8496914)_(8507800_8521992)dup

Gene: ANOS1 (anosmin 1; minus strand). Cytogenetic location: Xp22.31.
Variant type: Duplication.
Identifiers: ClinVar variation 4849018 (VCV004849018.1).

ClinVar aggregate classification (germline): Uncertain significance (1 of 4 stars; one submission).

Submission:

Women's Health and Genetics/Laboratory Corporation of America, LabCorp
Classification: Uncertain significance. Last evaluated: 2026-04-30. Review status: criteria provided, single submitter. Criteria: LabCorp Variant Classification Summary - May 2015. Collection method: clinical testing. Allele origin: germline.
Comment: Variant summary: The variant involves the duplication of exons 10-14 in the ANOS1 gene. A presumed nomenclature of c.(1354+1_1355-1)_(*4122_?)dup has been designated for the purposes of this classification. The exact breakpoint at the 3' end of this variant is unknown, therefore this duplication may extend downstream of the annotated region of the gene. As it duplicates the termination codon, its effect on the encoded protein is unknown. The variant allele was found at a frequency of 0.00031 in 16120 control chromosomes. The available data on variant occurrences in the general population are insufficient to allow any conclusion about variant significance. To our knowledge, no occurrence of c.(1354+1_1355-1)_(*4122_?)dup in individuals affected with ANOS1-related conditions and no experimental evidence demonstrating its impact on protein function have been reported. No submitters have cited clinical-significance assessments for this variant to ClinVar. Based on the evidence outlined above, the variant was classified as uncertain significance.